The following is an entry in ClinVar:

ClinVar aggregate classification (germline): Pathogenic (0 of 4 stars; one submission).

Conditions:
Schinzel phocomelia syndrome. Also called: AL-AWADI/RAAS-ROTHSCHILD SYNDROME; ULNA AND FIBULA, ABSENCE OF, WITH SEVERE LIMB DEFICIENCY; Phocomelia, Schinzel type; LIMB/PELVIS-HYPOPLASIA/APLASIA SYNDROME. Identifiers: Orphanet 2879, MedGen C1848651, MONDO:0010164, OMIM 276820.

Submission:

Institute of Medical Genetics and Genomics, Sir Ganga Ram Hospital
Classification: Pathogenic for Schinzel phocomelia syndrome. Last evaluated: 2022-01-30. Review status: no assertion criteria provided. Collection method: clinical testing. Allele origin: germline. Inheritance: Autosomal recessive inheritance. Affected: yes. Observed: 1 homozygote.
Comment: The novel homozygous deletion of exon 2 c.(71+1_72-1)_(298+1_299-1) has not been observed in gnomAD and 1000g. Familial segregation and validation studies have been done. Ulna and fibula, absence of, with severe limb deficiency is and autosomal recessive disorder. Based on the phenotypic observation and the segregation analysis, we classify this variant as pathogenic.

NM_004625.4:c.(71+1_72-1)_(298+1_299-1)del

Gene: WNT7A (Wnt family member 7A; minus strand).
Variant type: Deletion.
Other names: NM_004625.4:c.(71+1_72-1)_(298+1_299-1); c.(71+1_72-1)_(298+1_299-1)del (NM_004625.4).
Identifiers: ClinVar variation 1338765 (VCV001338765.2).